The following is an entry in ClinVar:

NM_015559.3(SETBP1):c.3645C>T (p.Ser1215=)

Gene: SETBP1 (SET binding protein 1; plus strand). Cytogenetic location: 18q12.3.
Variant type: single nucleotide variant.
Coding change: c.3645C>T on transcript NM_015559.3 (MANE Select); coding-DNA position 3645, C replaced by T.
Protein change: p.Ser1215=; no amino-acid change (serine 1215 retained).
Molecular consequence: synonymous variant.
Genome position (GRCh38, 1-based): chr18:44,952,985, C>T. VCF-style: chr18-44952985-C-T. GRCh37 (hg19) VCF-style: chr18-42532950-C-T.
Other names: c.3645C>T, p.Ser1215= (NM_001379141.1, NM_001379142.1).
Identifiers: ClinVar variation 1283803 (VCV001283803.20), dbSNP rs200219791, ClinGen allele CA8945950.

ClinVar aggregate classification (germline): Benign/Likely benign. Review status: criteria provided, multiple submitters, no conflicts (2 of 4 stars). 3 submissions from 3 submitters: Benign (2); Likely benign (1). Last evaluated 2026-01-16.

Allele frequency attached by ClinVar (database versions not stated): ExAC 0.00003; gnomAD 0.00003 and 0.00004; gnomAD exomes 0.00003; TOPMed 0.00005.
gnomAD v4.1: 49 of 1,613,990 alleles (0.003%); highest among the groups gnomAD compares: Admixed American, 0.0017%; no homozygotes.

Submissions (3):

Labcorp Genetics (formerly Invitae), Labcorp
Classification: Benign. Last evaluated: 2026-01-16. Review status: criteria provided, single submitter. Criteria: Invitae Variant Classification Sherloc (09022015). Collection method: clinical testing. Allele origin: germline.

CeGaT Center for Human Genetics Tuebingen
Classification: Likely benign. Last evaluated: 2024-10-01. Review status: criteria provided, single submitter. Criteria: CeGaT Center For Human Genetics Tuebingen Variant Classification Criteria Version 2. Collection method: clinical testing. Allele origin: germline. Affected: yes. Observed: 1 variant allele.
Comment: SETBP1: BP4, BP7

GeneDx
Classification: Benign. Last evaluated: 2020-07-28. Review status: criteria provided, single submitter. Criteria: GeneDx Variant Classification Process June 2021. Collection method: clinical testing. Allele origin: germline. Affected: yes.